The following is an entry in ClinVar:

ClinVar aggregate classification (germline): Likely benign. Review status: criteria provided, single submitter (1 of 4 stars). 2 submissions from 1 submitter: Likely benign (2). Last evaluated 2018-01-13.

Conditions:
Susceptibility to mononeuropathy of the median nerve, mild. Also called: CARPAL TUNNEL SYNDROME, SUSCEPTIBILITY TO. Identifiers: MedGen C3150596, MONDO:0013237, OMIM 613353.
Charcot-Marie-Tooth disease type 4C (CMT4C). Also called: CHARCOT-MARIE-TOOTH DISEASE, DEMYELINATING, TYPE 4C; SH3TC2-Related Hereditary Motor and Sensory Neuropathy; Charcot-Marie-Tooth Neuropathy Type 4C (CMT4C); CHARCOT-MARIE-TOOTH DISEASE, DEMYELINATING, AUTOSOMAL RECESSIVE, TYPE 4C; CMT 4C. Identifiers: Orphanet 99949, MedGen C1866636, MONDO:0011113, OMIM 601596.

Allele frequency attached by ClinVar (database versions not stated): 1000 Genomes Project 30x 0.00047; 1000 Genomes Project 0.00060; TOPMed 0.00099; gnomAD 0.00103 and 0.00106.

Submissions (2):

Illumina Laboratory Services, Illumina
Classification: Likely benign for Susceptibility to mononeuropathy of the median nerve, mild. Last evaluated: 2018-01-13. Review status: criteria provided, single submitter. Criteria: ICSL Variant Classification Criteria 13 December 2019. Collection method: clinical testing. Allele origin: germline.
Comment: This variant was observed in the ICSL laboratory as part of a predisposition screen in an ostensibly healthy population. It had not been previously curated by ICSL or reported in the Human Gene Mutation Database (HGMD: prior to June 1st, 2018), and was therefore a candidate for classification through an automated scoring system. Utilizing variant allele frequency, disease prevalence and penetrance estimates, and inheritance mode, an automated score was calculated to assess if this variant is too frequent to cause the disease. Based on the score and internal cut-off values, a variant classified as likely benign is not then subjected to further curation. The score for this variant resulted in a classification of likely benign for this disease.

Illumina Laboratory Services, Illumina
Classification: Likely benign for Charcot-Marie-Tooth disease type 4C. Last evaluated: 2018-01-13. Review status: criteria provided, single submitter. Criteria: ICSL Variant Classification Criteria 13 December 2019. Collection method: clinical testing. Allele origin: germline.
Comment: the same text as in the submission from Illumina Laboratory Services, Illumina above.

NM_024577.4(SH3TC2):c.*2269G>T

Gene: SH3TC2 (SH3 domain and tetratricopeptide repeats 2; minus strand). Cytogenetic location: 5q32.
Variant type: single nucleotide variant.
Coding change: c.*2269G>T on transcript NM_024577.4 (MANE Select); 2269 bases downstream of the stop codon, G replaced by T.
Molecular consequence: 3 prime UTR variant.
Genome position (GRCh38, 1-based): chr5:149,002,442, C>A on the plus strand (G>T on the coding strand, the complement: SH3TC2 is on the minus strand). VCF-style: chr5-149002442-C-A. GRCh37 (hg19) VCF-style: chr5-148382005-C-A.
Identifiers: ClinVar variation 906194 (VCV000906194.4), dbSNP rs575693285, ClinGen allele CA128993171.
Genomic context (GRCh38, chr5:149,002,442, plus strand): 5'-GTGGGGGCAAAACCACATCTATTCTCCATGGTAGTAGATTAGATAACTTTACTAATTAGA[C>A]AACTGGAAGCTTCTCCTTCCTGGAGAATACTCTCTAGAGTAGACAGCCTTTTGACAACCA-3'